The following is an entry in ClinVar:

NM_003321.5(TUFM):c.427G>A (p.Gly143Ser)

Gene: TUFM (Tu translation elongation factor, mitochondrial; minus strand). Cytogenetic location: 16p11.2.
Variant type: single nucleotide variant.
Coding change: c.427G>A on transcript NM_003321.5 (MANE Select); coding-DNA position 427, G replaced by A.
Protein change: p.Gly143Ser; replaces glycine 143 with serine.
Molecular consequence: missense variant.
Genome position (GRCh38, 1-based): chr16:28,845,043, C>T on the plus strand (G>A on the coding strand, the complement: TUFM is on the minus strand). VCF-style: chr16-28845043-C-T. GRCh37 (hg19) VCF-style: chr16-28856364-C-T.
Other names: p.Gly143Ser; c.427G>A, p.Gly143Ser (NM_001365360.2); short protein forms G143S.
Identifiers: ClinVar variation 318754 (VCV000318754.15), dbSNP rs34283928, ClinGen allele CA7985639.

ClinVar aggregate classification (germline): Conflicting classifications of pathogenicity. Review status: criteria provided, conflicting classifications (1 of 4 stars). 5 submissions from 5 submitters: Uncertain significance (3); Benign (1); Likely benign (1). Last evaluated 2026-01-19.

Conditions:
Combined oxidative phosphorylation defect type 4. Identifiers: Orphanet 254925, MedGen C1857682, MONDO:0012534, OMIM 610678.
Inborn genetic diseases. Identifiers: MedGen C0950123, MeSH D030342.

Allele frequency attached by ClinVar (database versions not stated): gnomAD exomes 0.00018 and 0.00042; ESP Exome Variant Server 0.00023; gnomAD 0.00023 and 0.00024; TOPMed 0.00024; ExAC 0.00032.
gnomAD v4.1: 311 of 1,614,028 alleles (0.019%); highest among the groups gnomAD compares: Admixed American, 0.015%; no homozygotes.

Submissions (5):

Labcorp Genetics (formerly Invitae), Labcorp
Classification: Benign. Last evaluated: 2026-01-19. Review status: criteria provided, single submitter. Criteria: Invitae Variant Classification Sherloc (09022015). Collection method: clinical testing. Allele origin: germline.

GeneDx
Classification: Uncertain significance. Last evaluated: 2024-09-13. Review status: criteria provided, single submitter. Criteria: GeneDx Variant Classification Process June 2021. Collection method: clinical testing. Allele origin: germline. Affected: yes.
Comment: In silico analysis supports that this missense variant has a deleterious effect on protein structure/function; Has not been previously published as pathogenic or benign to our knowledge

Mayo Clinic Laboratories, Mayo Clinic
Classification: Uncertain significance. Last evaluated: 2024-07-22. Review status: criteria provided, single submitter. Criteria: ACMG Guidelines, 2015. Collection method: clinical testing. Allele origin: germline. Observed: 1 variant allele.
Comment: PP3

Ambry Genetics
Classification: Likely benign for Inborn genetic diseases. Last evaluated: 2022-03-25. Review status: criteria provided, single submitter. Criteria: Ambry Variant Classification Scheme 2023. Collection method: clinical testing. Allele origin: germline.

Illumina Laboratory Services, Illumina
Classification: Uncertain significance for Combined oxidative phosphorylation defect type 4. Last evaluated: 2018-01-13. Review status: criteria provided, single submitter. Criteria: ICSL Variant Classification Criteria 13 December 2019. Collection method: clinical testing. Allele origin: germline.